The following is an entry in ClinVar:

ClinVar aggregate classification (germline): Uncertain significance (1 of 4 stars; one submission).

Conditions:
Bethlem myopathy 1A. Also called: Bethlem myopathy 1; MYOPATHY, BENIGN CONGENITAL, WITH CONTRACTURES; Bethlem Muscular Dystrophy. Identifiers: Orphanet 610, MedGen CN029274, MONDO:0024530, OMIM 158810.

Submission:

Labcorp Genetics (formerly Invitae), Labcorp
Classification: Uncertain significance for Bethlem myopathy 1A. Last evaluated: 2024-10-22. Review status: criteria provided, single submitter. Criteria: Invitae Variant Classification Sherloc (09022015). Collection method: clinical testing. Allele origin: germline.
Comment: This sequence change replaces valine, which is neutral and non-polar, with isoleucine, which is neutral and non-polar, at codon 177 of the COL6A3 protein (p.Val177Ile). This variant is present in population databases (rs754670989, gnomAD 0.0009%). This variant has not been reported in the literature in individuals affected with COL6A3-related conditions. Invitae Evidence Modeling of protein sequence and biophysical properties (such as structural, functional, and spatial information, amino acid conservation, physicochemical variation, residue mobility, and thermodynamic stability) indicates that this missense variant is not expected to disrupt COL6A3 protein function with a negative predictive value of 95%. In summary, the available evidence is currently insufficient to determine the role of this variant in disease. Therefore, it has been classified as a Variant of Uncertain Significance.

NM_004369.4(COL6A3):c.529G>A (p.Val177Ile)

Gene: COL6A3 (collagen type VI alpha 3 chain; minus strand). Cytogenetic location: 2q37.3.
Variant type: single nucleotide variant.
Coding change: c.529G>A on transcript NM_004369.4 (MANE Select); coding-DNA position 529, G replaced by A.
Protein change: p.Val177Ile; replaces valine 177 with isoleucine.
Molecular consequence: missense variant. On other transcripts: intron variant (4).
Genome position (GRCh38, 1-based): chr2:237,394,767, C>T on the plus strand (G>A on the coding strand, the complement: COL6A3 is on the minus strand). VCF-style: chr2-237394767-C-T. GRCh37 (hg19) VCF-style: chr2-238303410-C-T.
Other names: c.91+1960G>A (NM_057166.5, NM_057167.4, NM_057164.5 and 1 more transcripts); short protein forms V177I.
Identifiers: ClinVar variation 3627984 (VCV003627984.2).